The following is an entry in ClinVar:

ClinVar aggregate classification (germline): Benign (1 of 4 stars; one submission).

Conditions:
Retinitis pigmentosa (RP). Identifiers: Orphanet 791, MedGen C0035334, MeSH D012174, MONDO:0019200, OMIM 268000. Inheritance: Autosomal dominant, autosomal recessive and X linked inheritance.

Allele frequency attached by ClinVar (database versions not stated): 1000 Genomes Project 30x 0.00609; gnomAD 0.00768 and 0.00839; TOPMed 0.00924; 1000 Genomes Project 0.00499.
gnomAD v4.1: 1,184 of 182,984 alleles (0.65%); highest among the groups gnomAD compares: African/African-American, 2.5%; 10 homozygotes.

Submission:

Illumina Laboratory Services, Illumina
Classification: Benign for Retinitis pigmentosa. Last evaluated: 2018-01-13. Review status: criteria provided, single submitter. Criteria: ICSL Variant Classification Criteria 13 December 2019. Collection method: clinical testing. Allele origin: germline.
Comment: This variant was observed in the ICSL laboratory as part of a predisposition screen in an ostensibly healthy population. It had not been previously curated by ICSL or reported in the Human Gene Mutation Database (HGMD: prior to June 1st, 2018), and was therefore a candidate for classification through an automated scoring system. Utilizing variant allele frequency, disease prevalence and penetrance estimates, and inheritance mode, an automated score was calculated to assess if this variant is too frequent to cause the disease. Based on the score and internal cut-off values, a variant classified as benign is not then subjected to further curation. The score for this variant resulted in a classification of benign for this disease.

NM_203288.2(RP9):c.*420C>G

Gene: RP9 (RP9 pre-mRNA splicing factor; minus strand). Cytogenetic location: 7p14.3.
Variant type: single nucleotide variant.
Coding change: c.*420C>G on transcript NM_203288.2 (MANE Select); 420 bases downstream of the stop codon, C replaced by G.
Molecular consequence: 3 prime UTR variant.
Genome position (GRCh38, 1-based): chr7:33,094,814, G>C on the plus strand (C>G on the coding strand, the complement: RP9 is on the minus strand). VCF-style: chr7-33094814-G-C. GRCh37 (hg19) VCF-style: chr7-33134426-G-C.
Identifiers: ClinVar variation 360043 (VCV000360043.5), dbSNP rs79133824, ClinGen allele CA10626008.
Genomic context (GRCh38, chr7:33,094,814, plus strand): 5'-TATTATTTGTACTTATGTATTATTCATAAATAAATACATTCCATTTAAAAAATAAATAAT[G>C]AGCTTTTATTATTCTCAACAACAGAGAAGACTCCAGCCTGATGTCTATGGGACCTGAGTC-3'